The following is an entry in ClinVar:

NM_003070.5(SMARCA2):c.1211C>T (p.Thr404Met)

Gene: SMARCA2 (SWI/SNF related, matrix associated, actin dependent regulator of chromatin, subfamily a, member 2; plus strand). Cytogenetic location: 9p24.3.
Variant type: single nucleotide variant.
Coding change: c.1211C>T on transcript NM_003070.5 (MANE Select); coding-DNA position 1211, C replaced by T.
Protein change: p.Thr404Met; replaces threonine 404 with methionine.
Molecular consequence: missense variant.
Genome position (GRCh38, 1-based): chr9:2,056,709, C>T. VCF-style: chr9-2056709-C-T. GRCh37 (hg19) VCF-style: chr9-2056709-C-T.
Other names: c.1211C>T, p.Thr404Met (NM_001289396.2, NM_001289397.2, NM_139045.4); short protein forms T404M.
Identifiers: ClinVar variation 1314105 (VCV001314105.2), dbSNP rs1402196351, ClinGen allele CA372781616.

ClinVar aggregate classification (germline): Uncertain significance (1 of 4 stars; one submission).

Allele frequency attached by ClinVar (database versions not stated): gnomAD exomes below 0.00001; TOPMed below 0.00001; gnomAD 0.00001.
gnomAD v4.1: 2 of 1,613,952 alleles (0.00012%); highest among the groups gnomAD compares: African/African-American, 0.0027%; no homozygotes.

Submission:

GeneDx
Classification: Uncertain significance. Last evaluated: 2021-02-05. Review status: criteria provided, single submitter. Criteria: GeneDx Variant Classification Process June 2021. Collection method: clinical testing. Allele origin: germline. Affected: yes.
Comment: In silico analysis supports that this missense variant has a deleterious effect on protein structure/function; Has not been previously published as pathogenic or benign to our knowledge